The following is an entry in ClinVar:

ClinVar aggregate classification (germline): Uncertain significance (1 of 4 stars; one submission).

Conditions:
Ehlers-Danlos syndrome, classic type, 1 (EDSCL1). Also called: Ehlers-Danlos Syndrome, Classic Type, COL5A1-Related; EDS I; Ehlers-Danlos syndrome, type 1; EHLERS-DANLOS SYNDROME, GRAVIS TYPE; EHLERS-DANLOS SYNDROME, SEVERE CLASSIC TYPE. Identifiers: MedGen C0268335, MONDO:0019567, OMIM 130000.

Allele frequency attached by ClinVar (database versions not stated): gnomAD 0.00001; gnomAD exomes below 0.00001; TOPMed below 0.00001.
gnomAD v4.1: 6 of 1,613,768 alleles (0.00037%); highest among the groups gnomAD compares: East Asian, 0.0022%; no homozygotes.

Submission:

Labcorp Genetics (formerly Invitae), Labcorp
Classification: Uncertain significance for Ehlers-Danlos syndrome, classic type, 1. Last evaluated: 2017-11-18. Review status: criteria provided, single submitter. Criteria: Invitae Variant Classification Sherloc (09022015). Collection method: clinical testing. Allele origin: germline.
Comment: In summary, the available evidence is currently insufficient to determine the role of this variant in disease. Therefore, it has been classified as a Variant of Uncertain Significance. Algorithms developed to predict the effect of missense changes on protein structure and function (SIFT, PolyPhen-2, Align-GVGD) all suggest that this variant is likely to be disruptive, but these predictions have not been confirmed by published functional studies and their clinical significance is uncertain. This variant has not been reported in the literature in individuals with COL5A2-related disease. This variant is not present in population databases (ExAC no frequency). This sequence change replaces arginine with glutamine at codon 464 of the COL5A2 protein (p.Arg464Gln). The arginine residue is highly conserved and there is a small physicochemical difference between arginine and glutamine.

NM_000393.5(COL5A2):c.1391G>A (p.Arg464Gln)

Gene: COL5A2 (collagen type V alpha 2 chain; minus strand). Cytogenetic location: 2q32.2.
Variant type: single nucleotide variant.
Coding change: c.1391G>A on transcript NM_000393.5 (MANE Select); coding-DNA position 1391, G replaced by A.
Protein change: p.Arg464Gln; replaces arginine 464 with glutamine.
Molecular consequence: missense variant.
Genome position (GRCh38, 1-based): chr2:189,068,025, C>T on the plus strand (G>A on the coding strand, the complement: COL5A2 is on the minus strand). VCF-style: chr2-189068025-C-T. GRCh37 (hg19) VCF-style: chr2-189932751-C-T.
Other names: short protein forms R464Q.
Identifiers: ClinVar variation 529266 (VCV000529266.10), dbSNP rs1553515798, ClinGen allele CA349852588.
Genomic context (GRCh38, chr2:189,068,025, plus strand): 5'-CTCGTAGTTAGATTACACTAAAGGATGATAGTTCTTTCAAAGGTCATTACCGGTTGGCCT[C>T]GAATTCCCTGAGGACCAGTGCTACCCTGAGGTCCTGGAGATCCAGGAGGCCCTGCTGAGC-3'
Protein context (NP_000384.2, residues 454-474): PQGSTGPQGI[Arg464Gln]GQPGDPGVPG